The following is an entry in ClinVar:

NM_005097.4(LGI1):c.1252C>T (p.Gln418Ter)

Gene: LGI1 (leucine rich glioma inactivated 1; plus strand). Cytogenetic location: 10q23.33.
Variant type: single nucleotide variant.
Coding change: c.1252C>T on transcript NM_005097.4 (MANE Select); coding-DNA position 1252, C replaced by T.
Protein change: p.Gln418Ter; replaces glutamine 418 with a stop codon.
Molecular consequence: nonsense. On other transcripts: non-coding transcript variant (1), intron variant (1).
Genome position (GRCh38, 1-based): chr10:93,797,381, C>T. VCF-style: chr10-93797381-C-T. GRCh37 (hg19) VCF-style: chr10-95557138-C-T.
Other names: c.1108C>T, p.Gln370Ter (NM_001308276.2); c.839-368C>T (NM_001308275.2); short protein forms Q370*, Q418*.
Identifiers: ClinVar variation 1365772 (VCV001365772.8), dbSNP rs2134026684, ClinGen allele CA377628647.

ClinVar aggregate classification (germline): Pathogenic (1 of 4 stars; one submission).

Conditions:
Autosomal dominant epilepsy with auditory features. Identifiers: Orphanet 101046, MedGen C1838062, MONDO:0010898.

Submission:

Labcorp Genetics (formerly Invitae), Labcorp
Classification: Pathogenic for Autosomal dominant epilepsy with auditory features. Last evaluated: 2023-07-07. Review status: criteria provided, single submitter. Criteria: Invitae Variant Classification Sherloc (09022015). Collection method: clinical testing. Allele origin: germline.
Comment: This variant has not been reported in the literature in individuals affected with LGI1-related conditions. This sequence change creates a premature translational stop signal (p.Gln418*) in the LGI1 gene. While this is not anticipated to result in nonsense mediated decay, it is expected to disrupt the last 140 amino acid(s) of the LGI1 protein. This variant is not present in population databases (gnomAD no frequency). ClinVar contains an entry for this variant (Variation ID: 1365772). This variant disrupts a region of the LGI1 protein in which other variant(s) (p.His527Argfs*4) have been determined to be pathogenic (Invitae). This suggests that this is a clinically significant region of the protein, and that variants that disrupt it are likely to be disease-causing. For these reasons, this variant has been classified as Pathogenic.